The following is an entry in ClinVar:

NM_001365276.2(TNXB):c.7611G>A (p.Ser2537=)

Gene: TNXB (tenascin XB; minus strand). Cytogenetic location: 6p21.33.
Variant type: single nucleotide variant.
Coding change: c.7611G>A on transcript NM_001365276.2 (MANE Select); coding-DNA position 7611, G replaced by A.
Protein change: p.Ser2537=; no amino-acid change (serine 2537 retained).
Molecular consequence: synonymous variant.
Genome position (GRCh38, 1-based): chr6:32,058,272, C>T on the plus strand (G>A on the coding strand, the complement: TNXB is on the minus strand). VCF-style: chr6-32058272-C-T. GRCh37 (hg19) VCF-style: chr6-32026049-C-T.
Other names: c.8352G>A, p.Ser2784= (NM_001428335.1); c.7611G>A, p.Ser2537= (NM_019105.8).
Identifiers: ClinVar variation 5002964 (VCV005002964.1).

ClinVar aggregate classification (germline): Uncertain significance (1 of 4 stars; one submission).

Conditions:
Vesicoureteral reflux 8 (VUR8). Identifiers: Orphanet 289365, MedGen C4014831, MONDO:0014422, OMIM 615963.

gnomAD v4.1: 10 of 1,612,356 alleles (0.00062%); highest among the groups gnomAD compares: South Asian, 0.0033%; no homozygotes.

Submission:

OLLIN Analises Genomicas, OLLIN
Classification: Uncertain significance for Vesicoureteral reflux 8. Last evaluated: 2026-08-06. Review status: criteria provided, single submitter. Criteria: ACMG Guidelines 2015 PMID 25741868. Collection method: clinical testing. Allele origin: germline. Inheritance: Autosomal dominant inheritance.
Comment: This synonymous variant, located in exon 22 (of 44), has been observed in gnomAD with an allele frequency of 0.00062%, but has not been reported in ClinVar or identified in the literature. According to the currently available evidence, this variant has been classified as uncertain significance (PM2_P, PP3).